The following is an entry in ClinVar:

NM_001378457.1(DMXL2):c.8418C>T (p.Asp2806=)

Gene: DMXL2 (Dmx like 2; minus strand). Cytogenetic location: 15q21.2.
Variant type: single nucleotide variant.
Coding change: c.8418C>T on transcript NM_001378457.1 (MANE Select); coding-DNA position 8418, C replaced by T.
Protein change: p.Asp2806=; no amino-acid change (aspartic acid 2806 retained).
Molecular consequence: synonymous variant. On other transcripts: non-coding transcript variant (2).
Genome position (GRCh38, 1-based): chr15:51,456,174, G>A on the plus strand (C>T on the coding strand, the complement: DMXL2 is on the minus strand). VCF-style: chr15-51456174-G-A. GRCh37 (hg19) VCF-style: chr15-51748371-G-A.
Other names: c.8355C>T (NM_001174116.1); c.8355C>T, p.Asp2785= (NM_001174116.3); c.6444C>T, p.Asp2148= (NM_001174117.3); c.8415C>T, p.Asp2805= (NM_001378458.1); c.8130C>T, p.Asp2710= (NM_001378459.1); c.6333C>T, p.Asp2111= (NM_001378460.1); c.8352C>T, p.Asp2784= (NM_015263.5).
Identifiers: ClinVar variation 1476690 (VCV001476690.11), dbSNP rs373337134, ClinGen allele CA7561029.
Genomic context (GRCh38, chr15:51,456,174, plus strand): 5'-AGCTTGACGAAAGCAGACAAGTTGCTGAGGCCGCGTCCATTCAAACATTCGTACACTGCC[G>A]TCCTGAGCACCTGTAAGATCTGAAACACAAGAGAAAAAGCAGGAAATAAGAAATTAAAGA-3'
Protein context (NP_001365386.1, residues 2796-2816): VHQYYLTGAQ[Asp2806=]GSVRMFEWTR

ClinVar aggregate classification (germline): Likely benign. Review status: criteria provided, multiple submitters, no conflicts (2 of 4 stars). 4 submissions from 4 submitters: Likely benign (4). Last evaluated 2026-01-13.

Conditions:
DMXL2-related disorder. Also called: DMXL2-related condition.

Allele frequency attached by ClinVar (database versions not stated): gnomAD exomes 0.00005 and 0.00009; ExAC 0.00007; ESP Exome Variant Server 0.00008; gnomAD 0.00016 and 0.00018; TOPMed 0.00017; 1000 Genomes Project 0.00020; 1000 Genomes Project 30x 0.00031.
gnomAD v4.1: 105 of 1,613,874 alleles (0.0065%); highest among the groups gnomAD compares: African/African-American, 0.037%; no homozygotes.

Submissions (4):

Labcorp Genetics (formerly Invitae), Labcorp
Classification: Likely benign. Last evaluated: 2026-01-13. Review status: criteria provided, single submitter. Criteria: Invitae Variant Classification Sherloc (09022015). Collection method: clinical testing. Allele origin: germline.

PreventionGenetics, part of Exact Sciences
Classification: Likely benign for DMXL2-related condition. Last evaluated: 2025-11-07. Review status: criteria provided, single submitter. Criteria: ACMG Guidelines, 2015. Collection method: clinical testing. Allele origin: germline.
Comment: This variant is classified as likely benign based on ACMG/AMP sequence variant interpretation guidelines (Richards et al. 2015 PMID: 25741868, with internal and published modifications).

Blueprint Genetics
Classification: Likely benign. Last evaluated: 2021-05-14. Review status: criteria provided, single submitter. Criteria: ACMG Guidelines, 2015. Collection method: clinical testing. Allele origin: germline.

Breakthrough Genomics
Classification: Likely benign. Review status: criteria provided, single submitter. Criteria: ACMG Guidelines, 2015. Collection method: not provided. Allele origin: germline. Inheritance: Autosomal recessive inheritance. Affected: yes.